The following is an entry in ClinVar:

NM_001111125.3(IQSEC2):c.22_23del (p.Pro8fs)

Gene: IQSEC2 (IQ motif and Sec7 domain ArfGEF 2; minus strand). Cytogenetic location: Xp11.22.
Variant type: Deletion.
Coding change: c.22_23del on transcript NM_001111125.3 (MANE Select); coding-DNA positions 22 to 23, 2 bases deleted (CC; older notation c.22_23delCC).
Protein change: p.Pro8fs; shifts the reading frame from proline 8.
Molecular consequence: frameshift variant.
Genome position (GRCh38, 1-based): chrX:53,321,101-53,321,102, GG deleted on the plus strand (CC on the coding strand, the reverse complement: IQSEC2 is on the minus strand); deleting any 2 consecutive bases within chrX:53,321,101-53,321,105 gives the same sequence; the c. name uses the placement nearest the transcript's 3' end. VCF-style (leftmost placement, unchanged base first): chrX-53321100-CGG-C. GRCh37 (hg19) VCF-style: chrX-53350298-CGG-C.
Other names: c.22_23del, p.Pro8fs (NM_001410736.1, NM_001441092.1); short protein forms P8fs.
Identifiers: ClinVar variation 4685456 (VCV004685456.1).

ClinVar aggregate classification (germline): Pathogenic (1 of 4 stars; one submission).

Conditions:
Intellectual developmental disorder, X-linked 1. Also called: Atkin Flaitz Patil Smith syndrome; MENTAL RETARDATION, X-LINKED 18; MENTAL RETARDATION, X-LINKED 78; Intellectual disability, X-linked 1. Identifiers: Orphanet 777, MedGen C2931498, MONDO:0010656, OMIM 309530.

Submission:

Kasturba Medical College, Manipal, Kasturba Medical College, Manipal, Manipal Academy of Higher Education, Manipal, India
Classification: Pathogenic for Intellectual developmental disorder, X-linked 1. Last evaluated: 2025-11-28. Review status: criteria provided, single submitter. Criteria: ACMG Guidelines, 2015. Collection method: research. Allele origin: de novo. Inheritance: X-linked dominant inheritance. Affected: yes. Observed: 1 hemizygote.
Comment: This variant is not reported in the gnomAD population database (v4.1.0) or our in-house exome database of 3829 individuals. This deletion is likely to cause a shift in the reading frame and result in a premature truncation of the transcript, which can either lead to nonsense-mediated mRNA decay or the formation of a truncated protein product.